The following is an entry in ClinVar:

ClinVar aggregate classification (germline): Uncertain significance. Review status: criteria provided, multiple submitters, no conflicts (2 of 4 stars). 2 submissions from 2 submitters: Uncertain significance (2). Last evaluated 2025-09-02.

Conditions:
Disseminated atypical mycobacterial infection. Identifiers: MedGen C0694566.

Allele frequency attached by ClinVar (database versions not stated): gnomAD 0.00004; TOPMed 0.00006; ExAC 0.00012; gnomAD exomes 0.00019.
gnomAD v4.1: 61 of 1,613,940 alleles (0.0038%); highest among the groups gnomAD compares: Admixed American, 0.1%; no homozygotes.

Submissions (2):

Labcorp Genetics (formerly Invitae), Labcorp
Classification: Uncertain significance for Disseminated atypical mycobacterial infection. Last evaluated: 2025-09-02. Review status: criteria provided, single submitter. Criteria: Invitae Variant Classification Sherloc (09022015). Collection method: clinical testing. Allele origin: germline.
Comment: This sequence change replaces proline, which is neutral and non-polar, with leucine, which is neutral and non-polar, at codon 431 of the IFNGR1 protein (p.Pro431Leu). This variant is present in population databases (rs780820310, gnomAD 0.1%). This missense change has been observed in individual(s) with clinical features of autosomal dominant mendelian susceptibility to mycobacterial disease (internal data). ClinVar contains an entry for this variant (Variation ID: 495867). Invitae Evidence Modeling of protein sequence and biophysical properties (such as structural, functional, and spatial information, amino acid conservation, physicochemical variation, residue mobility, and thermodynamic stability) indicates that this missense variant is not expected to disrupt IFNGR1 protein function with a negative predictive value of 80%. In summary, the available evidence is currently insufficient to determine the role of this variant in disease. Therefore, it has been classified as a Variant of Uncertain Significance.

Women's Health and Genetics/Laboratory Corporation of America, LabCorp
Classification: Uncertain significance. Last evaluated: 2016-02-11. Review status: criteria provided, single submitter. Criteria: LabCorp Variant Classification Summary - May 2015. Collection method: clinical testing. Allele origin: germline.
Comment: Variant summary: This c.1292C>T variant affects a conserved nucleotide, resulting in amino acid change from Pro to Leu. 4/5 in-silico tools predict this variant to be benign. This variant was found in 14/121014 control chromosomes from ExAC at a frequency of 0.0001157, which does not exceed the maximal expected frequency of a pathogenic allele (0.001118) in this gene. The variant was only found in Latino cohort where its frequency is 0.1217% (14/11502 chromosomes). No homozygotes have been reported in general population. The variant has not been reported in affected individuals from literature and databases. Because of the absence of clinical information and the lack of functional studies, the variant was classified as a variant of uncertain significance (VUS) until additional information becomes available.

NM_000416.3(IFNGR1):c.1292C>T (p.Pro431Leu)

Gene: IFNGR1 (interferon gamma receptor 1; minus strand). Cytogenetic location: 6q23.3.
Variant type: single nucleotide variant.
Coding change: c.1292C>T on transcript NM_000416.3 (MANE Select); coding-DNA position 1292, C replaced by T.
Protein change: p.Pro431Leu; replaces proline 431 with leucine.
Molecular consequence: missense variant.
Genome position (GRCh38, 1-based): chr6:137,198,209, G>A on the plus strand (C>T on the coding strand, the complement: IFNGR1 is on the minus strand). VCF-style: chr6-137198209-G-A. GRCh37 (hg19) VCF-style: chr6-137519346-G-A.
Other names: c.1262C>T, p.Pro421Leu (NM_001363526.1); c.1169C>T, p.Pro390Leu (NM_001363527.1); short protein forms P431L, P421L, P390L.
Identifiers: ClinVar variation 495867 (VCV000495867.8), dbSNP rs780820310, ClinGen allele CA4018780.